The following is an entry in ClinVar:

NM_012414.4(RAB3GAP2):c.1348dup (p.Ser450fs)

Gene: RAB3GAP2 (RAB3 GTPase activating non-catalytic protein subunit 2; minus strand). Cytogenetic location: 1q41.
Variant type: Duplication.
Coding change: c.1348dup on transcript NM_012414.4 (MANE Select); coding-DNA position 1348, one base duplicated (T; older notation c.1348dupT).
Protein change: p.Ser450fs; shifts the reading frame from serine 450.
Molecular consequence: frameshift variant.
Genome position (GRCh38, 1-based): chr1:220,191,207, A duplicated on the plus strand (T on the coding strand, the reverse complement: RAB3GAP2 is on the minus strand); the first of 5 consecutive A bases (chr1:220,191,207-220,191,211); duplicating any one gives the same sequence. VCF-style (leftmost placement, unchanged base first): chr1-220191206-G-GA. GRCh37 (hg19) VCF-style: chr1-220364548-G-GA.
Other names: short protein forms S450fs.
Identifiers: ClinVar variation 2415504 (VCV002415504.6), dbSNP rs2528681294, ClinGen allele CA2574136153.

ClinVar aggregate classification (germline): Pathogenic (1 of 4 stars; one submission).

Conditions:
Warburg micro syndrome 2 (WARBM2). Also called: MICRO SYNDROME 2. Identifiers: Orphanet 2510, MedGen C3280214, MONDO:0013641, OMIM 614225.
Martsolf syndrome (MARTS). Also called: Congenital cataract with intellectual disability and hypogonadotropic hypogonadism syndrome. Identifiers: Orphanet 1387, MedGen C0796037, MONDO:0023910.

Submission:

Labcorp Genetics (formerly Invitae), Labcorp
Classification: Pathogenic for Martsolf syndrome; Warburg micro syndrome 2. Last evaluated: 2025-02-24. Review status: criteria provided, single submitter. Criteria: Invitae Variant Classification Sherloc (09022015). Collection method: clinical testing. Allele origin: germline.
Comment: This sequence change creates a premature translational stop signal (p.Ser450Phefs*36) in the RAB3GAP2 gene. It is expected to result in an absent or disrupted protein product. Loss-of-function variants in RAB3GAP2 are known to be pathogenic (PMID: 23420520). This variant is not present in population databases (gnomAD no frequency). This variant has not been reported in the literature in individuals affected with RAB3GAP2-related conditions. ClinVar contains an entry for this variant (Variation ID: 2415504). For these reasons, this variant has been classified as Pathogenic.

Literature cited by the submitters: PubMed 23420520.